The following is an entry in ClinVar:

ClinVar aggregate classification (germline): Uncertain significance (1 of 4 stars; one submission).

Submission:

GeneDx
Classification: Uncertain significance. Last evaluated: 2025-06-10. Review status: criteria provided, single submitter. Criteria: GeneDx Variant Classification Process June 2021. Collection method: clinical testing. Allele origin: germline. Affected: yes.
Comment: Not observed at significant frequency in large population cohorts (gnomAD); In silico analysis suggests that this missense variant does not alter protein structure/function; Has not been previously published as pathogenic or benign to our knowledge

NM_001394998.1(TANC2):c.626C>G (p.Thr209Ser)

Gene: TANC2 (tetratricopeptide repeat, ankyrin repeat and coiled-coil containing 2; plus strand). Cytogenetic location: 17q23.3.
Variant type: single nucleotide variant.
Coding change: c.626C>G on transcript NM_001394998.1 (MANE Select); coding-DNA position 626, C replaced by G.
Protein change: p.Thr209Ser; replaces threonine 209 with serine.
Molecular consequence: missense variant.
Genome position (GRCh38, 1-based): chr17:63,200,814, C>G. VCF-style: chr17-63200814-C-G. GRCh37 (hg19) VCF-style: chr17-61278175-C-G.
Other names: c.404C>G, p.Thr135Ser (NM_001411076.1, NM_025185.4); short protein forms T135S, T209S.
Identifiers: ClinVar variation 4538001 (VCV004538001.1).